The following is an entry in ClinVar:

ClinVar aggregate classification (germline): Uncertain significance (1 of 4 stars; one submission).

Submission:

ISCA site 14
Classification: Uncertain significance. Last evaluated: 2011-08-12. Review status: criteria provided, single submitter. Criteria: Kaminsky et al. (Genet Med. 2011). Collection method: clinical testing. Allele origin: unknown. Affected: yes. Observed: 1 variant allele.
Comment: Copy number variation identified through the course of routine clinical cytogenomic testing in postnatal populations. Clinical assertions have been curated as described in Kaminsky et al. 2011.

GRCh38/hg38 8q23.1-23.2(chr8:107356178-110913494)x3

Genes: EBAG9 (estrogen receptor binding site associated antigen 9; plus strand), EBAG9UORF (uncharacterized EBAG9uORF; plus strand), EIF3E (eukaryotic translation initiation factor 3 subunit E; minus strand), EMC2 (ER membrane protein complex subunit 2; plus strand), ENY2 (ENY2 transcription and export complex 2 subunit; plus strand) and 30 more. Cytogenetic location: 8q23.1-23.2.
Variant type: copy number gain.
Change: copy number 3 (three copies instead of two) of chr8:107,356,178-110,913,494 (3.56 Mb, GRCh38 coordinates, 1-based), cytogenetic band 8q23.1-23.2.
Identifiers: ClinVar variation 58431 (VCV000058431.1).